The following is an entry in ClinVar:

ClinVar aggregate classification (germline): Likely pathogenic. Review status: criteria provided, multiple submitters, no conflicts (2 of 4 stars). 2 submissions from 2 submitters: Likely pathogenic (2). Last evaluated 2026-06-25.

Conditions:
Inborn genetic diseases. Identifiers: MedGen C0950123, MeSH D030342.
Saethre-Chotzen syndrome (SCS). Also called: ACROCEPHALY, SKULL ASYMMETRY, AND MILD SYNDACTYLY; ACS III; CHOTZEN SYNDROME. Identifiers: Orphanet 794, MedGen C0175699, MONDO:0007042, OMIM 101400.

Submissions (2):

Ambry Genetics
Classification: Likely pathogenic for Inborn genetic diseases. Last evaluated: 2026-06-25. Review status: criteria provided, single submitter. Criteria: Ambry Variant Classification Scheme 2023. Collection method: clinical testing. Allele origin: germline.
Comment: The c.352C>A (p.R118S) alteration is located in coding exon 1 of the TWIST1 gene. This alteration results from a C to A substitution at nucleotide position 352, causing the arginine (R) at amino acid position 118 to be replaced by a serine (S). This variant was not reported in population-based cohorts in the Genome Aggregation Database (gnomAD). This variant was reported in individual(s) with features consistent with TWIST1-related acrocephalosyndactyly disorders (Foo, 2009; Landau-Prat, 2024). Other variant(s) at the same codon, c.352C>T (p.R118C), c.352C>G (p.R118G), c.353G>C (p.R118P), c.353G>T (p.R118L), and c.353G>A (p.R118H), have been identified in individual(s) with features consistent with TWIST1-related acrocephalosyndactyly disorders and/or have demonstrated an abnormal result in a functional assay (Kress, 2006; Yousfi, 2002; Rose, 1997). This amino acid position is well conserved in available vertebrate species. This missense variant is located in a region that has a low rate of benign missense variation (Lek, 2016; Firth, 2009). This alteration is predicted to be deleterious by in silico analysis. Based on the available evidence, this alteration is classified as likely pathogenic.

Genetics and Molecular Pathology, SA Pathology
Classification: Likely pathogenic for Saethre-Chotzen syndrome. Last evaluated: 2020-01-17. Review status: criteria provided, single submitter. Criteria: ACMG Guidelines, 2015. Collection method: clinical testing. Allele origin: germline. Affected: yes.
Comment: PM1, PM2, PM5, PP1 The TWIST1 c.352C>A variant is a single nucleotide change from a cytosine to an adenine at position 352 which is predicted to alter the amino acid arginine at position 118 in the protein to serine. This variant in exon 1 is in the Helix-loop-helix-DNA-binding domain. The variant has not been reported in dbSNP and is absent from population databases (PM2). The Arg118Ser variant has been previously reported in a patient with Saethre-Chotzen syndrome (PMID:19952666) (PP1). Molecular dynamics simulations studies suggest that the Arg118 residue is critical for the formation of TWIST1-DNA complex structures (PMID: 23527594), but the functional effect of an Arg118Ser substitution was not investigated (PM1 applied as the residue is a critical part of the domain). The variant has not been reported in the ClinVar or LOVD disease databases, but there are multiple reports of other (likely) pathogenic missense variants at Arg118: Arg118Cys (PMID: 11854168); Arg118Gly (PMID: 29304373); Arg118His (PMID: 9259286); Arg118Pro (PMID: 16251895) (PM5). Computational predictions support a deleterious effect (PP3 not applied as PM5 applied already).

Literature cited by the submitters: PubMed 9259286 (cited by Ambry Genetics and Genetics and Molecular Pathology, SA Pathology); PubMed 11248247 (cited by Ambry Genetics); PubMed 11854168 (cited by Ambry Genetics and Genetics and Molecular Pathology, SA Pathology); PubMed 15099347 (cited by Ambry Genetics); PubMed 16251895 (cited by Ambry Genetics and Genetics and Molecular Pathology, SA Pathology); PubMed 19952666 (cited by Ambry Genetics and Genetics and Molecular Pathology, SA Pathology); PubMed 22995991 (cited by Ambry Genetics); PubMed 38722781 (cited by Ambry Genetics); PubMed 23527594 (cited by Genetics and Molecular Pathology, SA Pathology); PubMed 29304373 (cited by Genetics and Molecular Pathology, SA Pathology).

NM_000474.4(TWIST1):c.352C>A (p.Arg118Ser)

Gene: TWIST1 (twist family bHLH transcription factor 1; minus strand). Cytogenetic location: 7p21.1.
Variant type: single nucleotide variant.
Coding change: c.352C>A on transcript NM_000474.4 (MANE Select); coding-DNA position 352, C replaced by A.
Protein change: p.Arg118Ser; replaces arginine 118 with serine.
Molecular consequence: missense variant. On other transcripts: non-coding transcript variant (1).
Genome position (GRCh38, 1-based): chr7:19,116,970, G>T on the plus strand (C>A on the coding strand, the complement: TWIST1 is on the minus strand). VCF-style: chr7-19116970-G-T. GRCh37 (hg19) VCF-style: chr7-19156593-G-T.
Other names: short protein forms R118S.
Identifiers: ClinVar variation 985259 (VCV000985259.5), dbSNP rs1554442015, ClinGen allele CA367015620.